The following is an entry in ClinVar:

ClinVar aggregate classification (germline): Uncertain significance (1 of 4 stars; one submission).

Conditions:
Inborn genetic diseases. Identifiers: MedGen C0950123, MeSH D030342.

Submission:

Ambry Genetics
Classification: Uncertain significance for Inborn genetic diseases. Last evaluated: 2024-10-17. Review status: criteria provided, single submitter. Criteria: Ambry Variant Classification Scheme 2023. Collection method: clinical testing. Allele origin: germline.
Comment: The p.K1219R variant (also known as c.3656A>G), located in coding exon 1 of the SAMD9L gene, results from an A to G substitution at nucleotide position 3656. The lysine at codon 1219 is replaced by arginine, an amino acid with highly similar properties. This amino acid position is conserved. In addition, this alteration is predicted to be tolerated by in silico analysis. Based on the available evidence, the clinical significance of this variant remains unclear.

NM_152703.5(SAMD9L):c.3656A>G (p.Lys1219Arg)

Gene: SAMD9L (sterile alpha motif domain containing 9 like; minus strand). Cytogenetic location: 7q21.2.
Variant type: single nucleotide variant.
Coding change: c.3656A>G on transcript NM_152703.5 (MANE Select); coding-DNA position 3656, A replaced by G.
Protein change: p.Lys1219Arg; replaces lysine 1219 with arginine.
Molecular consequence: missense variant.
Genome position (GRCh38, 1-based): chr7:93,132,316, T>C on the plus strand (A>G on the coding strand, the complement: SAMD9L is on the minus strand). VCF-style: chr7-93132316-T-C. GRCh37 (hg19) VCF-style: chr7-92761629-T-C.
Other names: c.3656A>G, p.Lys1219Arg (NM_001303496.3, NM_001303497.3, NM_001303498.3 and 5 more transcripts); short protein forms K1219R.
Identifiers: ClinVar variation 3437141 (VCV003437141.1).